The following is an entry in ClinVar:

NM_144631.6(ZNF513):c.1036_1072del (p.Gly346fs)

Gene: ZNF513 (zinc finger protein 513; minus strand). Cytogenetic location: 2p23.3.
Variant type: Deletion.
Coding change: c.1036_1072del on transcript NM_144631.6 (MANE Select); coding-DNA positions 1036 to 1072, 37 bases deleted.
Protein change: p.Gly346fs; shifts the reading frame from glycine 346.
Molecular consequence: frameshift variant.
Genome position (GRCh38, 1-based): chr2:27,378,099-27,378,135, 37 bases deleted; deleting any 37 consecutive bases within chr2:27,378,099-27,378,136 gives the same sequence; the c. name uses the placement nearest the transcript's 3' end. GRCh37 (hg19): chr2:27,600,967-27,601,003.
Other names: c.850_886del, p.Gly284fs (NM_001201459.2); short protein forms G284fs, G346fs.
Identifiers: ClinVar variation 2025226 (VCV002025226.4), dbSNP rs2465620857, ClinGen allele CA2580066228.
Genomic context (GRCh38, chr2:27,378,098, plus strand): 5'-TGCCGGGCCAGGTGGTTGGGATAGTGAGTGGCAAAGGGGCAGAGGCTACAGGCAAAGCCT[TTGTCACTGGGGCCCTGGGGCCCCCCACTGGCACCCCC>T]TCCAGCCTCTCCTCGCATGCAGCGCCCACACATGGCAGCTCCCAGCCGACTACCCTCACC-3'

ClinVar aggregate classification (germline): Uncertain significance (1 of 4 stars; one submission).

Submission:

Labcorp Genetics (formerly Invitae), Labcorp
Classification: Uncertain significance. Last evaluated: 2022-08-20. Review status: criteria provided, single submitter. Criteria: Invitae Variant Classification Sherloc (09022015). Collection method: clinical testing. Allele origin: germline.
Comment: In summary, the available evidence is currently insufficient to determine the role of this variant in disease. Therefore, it has been classified as a Variant of Uncertain Significance. Algorithms developed to predict the effect of sequence changes on RNA splicing suggest that this variant may disrupt the consensus splice site. This variant has not been reported in the literature in individuals affected with ZNF513-related conditions. This variant is not present in population databases (gnomAD no frequency). This sequence change creates a premature translational stop signal (p.Gly346Lysfs*22) in the ZNF513 gene. While this is not anticipated to result in nonsense mediated decay, it is expected to disrupt the last 196 amino acid(s) of the ZNF513 protein.